The following is an entry in ClinVar:

ClinVar aggregate classification (germline): Uncertain significance (1 of 4 stars; one submission).

Conditions:
3-hydroxy-3-methylglutaryl-CoA synthase deficiency (HMGCS2D). Also called: HMG-CoA synthase-2 deficiency; MITOCHONDRIAL HMG-CoA SYNTHASE DEFICIENCY; HMGCS2 DEFICIENCY. Identifiers: Orphanet 35701, MedGen C2751532, MONDO:0011614, OMIM 605911.

Allele frequency attached by ClinVar (database versions not stated): gnomAD exomes below 0.00001.
gnomAD v4.1: 1 of 1,613,968 alleles (0.000062%); highest among the groups gnomAD compares: South Asian, 0.0011%; no homozygotes.

Submission:

Labcorp Genetics (formerly Invitae), Labcorp
Classification: Uncertain significance for 3-hydroxy-3-methylglutaryl-CoA synthase deficiency. Last evaluated: 2022-02-22. Review status: criteria provided, single submitter. Criteria: Invitae Variant Classification Sherloc (09022015). Collection method: clinical testing. Allele origin: germline.
Comment: This sequence change replaces aspartic acid, which is acidic and polar, with asparagine, which is neutral and polar, at codon 69 of the HMGCS2 protein (p.Asp69Asn). This variant is present in population databases (no rsID available, gnomAD 0.003%). This variant has not been reported in the literature in individuals affected with HMGCS2-related conditions. Algorithms developed to predict the effect of missense changes on protein structure and function are either unavailable or do not agree on the potential impact of this missense change (SIFT: "Tolerated"; PolyPhen-2: "Probably Damaging"; Align-GVGD: "Class C0"). In summary, the available evidence is currently insufficient to determine the role of this variant in disease. Therefore, it has been classified as a Variant of Uncertain Significance.

NM_005518.4(HMGCS2):c.205G>A (p.Asp69Asn)

Gene: HMGCS2 (3-hydroxy-3-methylglutaryl-CoA synthase 2; minus strand). Cytogenetic location: 1p12.
Variant type: single nucleotide variant.
Coding change: c.205G>A on transcript NM_005518.4 (MANE Select); coding-DNA position 205, G replaced by A.
Protein change: p.Asp69Asn; replaces aspartic acid 69 with asparagine.
Molecular consequence: missense variant.
Genome position (GRCh38, 1-based): chr1:119,764,526, C>T on the plus strand (G>A on the coding strand, the complement: HMGCS2 is on the minus strand). VCF-style: chr1-119764526-C-T. GRCh37 (hg19) VCF-style: chr1-120307149-C-T.
Other names: c.205G>A, p.Asp69Asn (NM_001166107.1); short protein forms D69N.
Identifiers: ClinVar variation 2101528 (VCV002101528.3), dbSNP rs1217700912, ClinGen allele CA341866834.
Genomic context (GRCh38, chr1:119,764,526, plus strand): 5'-CCAAGCCCACTGTATACTTTCCTGCTTCCACATTGTTATACTTCTCCAGGTCAGTTTGGT[C>T]CACATATTGGGCTGGGAAGTAGACCTCCAGGGCCAGGATGCCCACGTCCTTTGGCCAAGT-3'
Protein context (NP_005509.1, residues 59-79): LEVYFPAQYV[Asp69Asn]QTDLEKYNNV